The following is an entry in ClinVar:

ClinVar aggregate classification (germline): Pathogenic. Review status: criteria provided, single submitter (1 of 4 stars). 2 submissions from 2 submitters: Pathogenic (1). 1 of the submissions does not count toward it. Last evaluated 2024-05-27.

Conditions:
Tuberous sclerosis syndrome (TSC). Also called: Tuberous Sclerosis Complex; Tuberous sclerosis. Identifiers: Orphanet 805, MedGen C0041341, MONDO:0001734.
Tuberous sclerosis 2 (TSC2). Identifiers: Orphanet 805, MedGen C1860707, MONDO:0013199, OMIM 613254.

Submissions (2):

Labcorp Genetics (formerly Invitae), Labcorp
Classification: Pathogenic for Tuberous sclerosis 2. Last evaluated: 2024-05-27. Review status: criteria provided, single submitter. Criteria: Invitae Variant Classification Sherloc (09022015). Collection method: clinical testing. Allele origin: germline.
Comment: This sequence change affects a donor splice site in intron 38 of the TSC2 gene. It is expected to disrupt RNA splicing. Variants that disrupt the donor or acceptor splice site typically lead to a loss of protein function (PMID: 16199547), and loss-of-function variants in TSC2 are known to be pathogenic (PMID: 10205261, 17304050). This variant is not present in population databases (gnomAD no frequency). Disruption of this splice site has been observed in individual(s) with tuberous sclerosis complex (PMID: 10533066, 20633017). ClinVar contains an entry for this variant (Variation ID: 49992). Algorithms developed to predict the effect of sequence changes on RNA splicing suggest that this variant may disrupt the consensus splice site. For these reasons, this variant has been classified as Pathogenic.

Tuberous sclerosis database (TSC2)
No classification provided. Condition: TSC. Review status: no classification provided. Criteria: Tuberous Sclerosis Database Assertion Criteria 2015. Collection method: curation. Allele origin: germline. Affected: yes. Not counted in ClinVar's aggregate classification.

Literature cited by the submitters: PubMed 16199547 (cited by Labcorp Genetics (formerly Invitae), Labcorp); PubMed 10205261 (cited by Labcorp Genetics (formerly Invitae), Labcorp); PubMed 17304050 (cited by Labcorp Genetics (formerly Invitae), Labcorp); PubMed 10533066 (cited by Labcorp Genetics (formerly Invitae), Labcorp); PubMed 20633017 (cited by Labcorp Genetics (formerly Invitae), Labcorp).

NM_000548.5(TSC2):c.4989+1G>T

Gene: TSC2 (TSC complex subunit 2; plus strand). Cytogenetic location: 16p13.3.
Variant type: single nucleotide variant.
Coding change: c.4989+1G>T on transcript NM_000548.5 (MANE Select); the canonical splice donor site of the intron after coding-DNA position 4989, G replaced by T.
Molecular consequence: splice donor variant.
Genome position (GRCh38, 1-based): chr16:2,086,872, G>T. VCF-style: chr16-2086872-G-T. GRCh37 (hg19) VCF-style: chr16-2136873-G-T.
Other names: c.4920+1G>T (NM_001114382.3); c.4986+1G>T (NM_001406663.1); c.4917+1G>T (NM_001406664.1); c.4860+1G>T (NM_021055.3, NM_001370405.1); c.4791+1G>T (NM_001363528.2); c.4911+1G>T (NM_001406665.1); c.4857+1G>T (NM_001370404.1); c.4788+1G>T (NM_001077183.3); and 26 more.
Identifiers: ClinVar variation 49992 (VCV000049992.4), dbSNP rs45517386, ClinGen allele CA021467.